The following is an entry in ClinVar:

NM_182972.3(IRF2BP2):c.1754_1757del (p.Arg585fs)

Gene: IRF2BP2 (interferon regulatory factor 2 binding protein 2; minus strand). Cytogenetic location: 1q42.3.
Variant type: Microsatellite.
Coding change: c.1754_1757del on transcript NM_182972.3 (MANE Select); coding-DNA positions 1754 to 1757, 4 bases deleted (GAGA; older notation c.1754_1757delGAGA).
Protein change: p.Arg585fs; shifts the reading frame from arginine 585.
Molecular consequence: frameshift variant.
Genome position (GRCh38, 1-based): chr1:234,607,144-234,607,147, TCTC deleted on the plus strand (GAGA on the coding strand, the reverse complement: IRF2BP2 is on the minus strand); deleting any 4 consecutive bases within chr1:234,607,144-234,607,152 gives the same sequence; the c. name uses the placement nearest the transcript's 3' end. VCF-style (leftmost placement, unchanged base first): chr1-234607143-GTCTC-G. GRCh37 (hg19) VCF-style: chr1-234742889-GTCTC-G.
Other names: c.1706_1709del, p.Arg569fs (NM_001077397.1); short protein forms R569fs, R585fs.
Identifiers: ClinVar variation 2578030 (VCV002578030.1), dbSNP rs764480409, ClinGen allele CA529918169.

ClinVar aggregate classification (germline): Uncertain significance (0 of 4 stars; one submission).

Conditions:
Varicella, severe recurrent. Identifiers: MedGen C1833487, MONDO:0010919, OMIM 600670, HP:0005428.

Submission:

Pediatric Infectious Diseases and Immunodeficiencies Unit (UPIIP)- HUVH-VHIR, Vall d'Hebron University Hospital
Classification: Uncertain significance for Varicella, severe recurrent. Review status: no assertion criteria provided. Collection method: clinical testing. Allele origin: paternal. Inheritance: Autosomal dominant inheritance. Affected: yes. Observed: 1 heterozygote.
Comment: This variant is a deletion of 4 nucleotides in the IRF2BP2 gene located at the end of exon 2 (c.1754_1757del). This variant is very close to the end of the protein, affecting the residue 585 out of 587, causing a frameshift, and adding an additional stretch of amino acids beyond the original STOP codon (p.Arg585Thrfs*12). This makes the possible mutant protein longer than the wild type (595 vs 587 amino acids respectively). This variant was not reported in the gnomAD database. The available evidence is currently insufficient to determine the role of this variant in disease. Therefore, it has been classified as a Variant of Uncertain Significance.